The following is an entry in ClinVar:

NM_001371194.2(SEMA4D):c.891C>T (p.Phe297=)

Gene: SEMA4D (semaphorin 4D; minus strand). Cytogenetic location: 9q22.2.
Variant type: single nucleotide variant.
Coding change: c.891C>T on transcript NM_001371194.2 (MANE Select); coding-DNA position 891, C replaced by T.
Protein change: p.Phe297=; no amino-acid change (phenylalanine 297 retained).
Molecular consequence: synonymous variant. On other transcripts: non-coding transcript variant (6).
Genome position (GRCh38, 1-based): chr9:89,388,931, G>A on the plus strand (C>T on the coding strand, the complement: SEMA4D is on the minus strand). VCF-style: chr9-89388931-G-A. GRCh37 (hg19) VCF-style: chr9-92003846-G-A.
Other names: c.891C>T, p.Phe297= (NM_001142287.2, NM_001371195.1, NM_001371196.1 and 7 more transcripts).
Identifiers: ClinVar variation 2659297 (VCV002659297.24), dbSNP rs770018702, ClinGen allele CA5118552.

ClinVar aggregate classification (germline): Likely benign (1 of 4 stars; one submission).

Allele frequency attached by ClinVar (database versions not stated): gnomAD exomes 0.00001; TOPMed 0.00001; ExAC 0.00003; gnomAD 0.00003.
gnomAD v4.1: 22 of 1,614,028 alleles (0.0014%); highest among the groups gnomAD compares: South Asian, 0.0044%; no homozygotes.

Submission:

CeGaT Center for Human Genetics Tuebingen
Classification: Likely benign. Last evaluated: 2022-08-01. Review status: criteria provided, single submitter. Criteria: CeGaT Center For Human Genetics Tuebingen Variant Classification Criteria Version 2. Collection method: clinical testing. Allele origin: germline. Affected: yes. Observed: 1 variant allele.
Comment: SEMA4D: BP4, BP7